The following is an entry in ClinVar:

NM_031483.7(ITCH):c.1753C>G (p.Pro585Ala)

Gene: ITCH (itchy E3 ubiquitin protein ligase; plus strand). Cytogenetic location: 20q11.22.
Variant type: single nucleotide variant.
Coding change: c.1753C>G on transcript NM_031483.7 (MANE Select); coding-DNA position 1753, C replaced by G.
Protein change: p.Pro585Ala; replaces proline 585 with alanine.
Molecular consequence: missense variant.
Genome position (GRCh38, 1-based): chr20:34,479,724, C>G. VCF-style: chr20-34479724-C-G. GRCh37 (hg19) VCF-style: chr20-33067529-C-G.
Other names: c.1876C>G, p.Pro626Ala (NM_001257137.3, NM_001324197.2); c.1423C>G, p.Pro475Ala (NM_001257138.3); c.1753C>G, p.Pro585Ala (NM_001324198.2); short protein forms P626A, P585A, P475A.
Identifiers: ClinVar variation 967037 (VCV000967037.8), dbSNP rs1303782556, ClinGen allele CA408669617.

ClinVar aggregate classification (germline): Uncertain significance (1 of 4 stars; one submission).

Conditions:
Syndromic multisystem autoimmune disease due to ITCH deficiency. Also called: AUTOIMMUNE DISEASE, MULTISYSTEM, WITH FACIAL DYSMORPHISM. Identifiers: Orphanet 228426, MedGen C3150649, MONDO:0013245, OMIM 613385.

Allele frequency attached by ClinVar (database versions not stated): gnomAD 0.00001; TOPMed 0.00001.
gnomAD v4.1: 3 of 1,613,804 alleles (0.00019%); highest among the groups gnomAD compares: Non-Finnish European, 0.00025%; no homozygotes.

Submission:

Labcorp Genetics (formerly Invitae), Labcorp
Classification: Uncertain significance for Syndromic multisystem autoimmune disease due to ITCH deficiency. Last evaluated: 2019-11-06. Review status: criteria provided, single submitter. Criteria: Invitae Variant Classification Sherloc (09022015). Collection method: clinical testing. Allele origin: germline.
Comment: In summary, the available evidence is currently insufficient to determine the role of this variant in disease. Therefore, it has been classified as a Variant of Uncertain Significance. This variant is not present in population databases (ExAC no frequency). This variant has not been reported in the literature in individuals with ITCH-related conditions. Algorithms developed to predict the effect of missense changes on protein structure and function (SIFT, PolyPhen-2, Align-GVGD) all suggest that this variant is likely to be tolerated, but these predictions have not been confirmed by published functional studies and their clinical significance is uncertain. This sequence change replaces proline with alanine at codon 585 of the ITCH protein (p.Pro585Ala). The proline residue is highly conserved and there is a small physicochemical difference between proline and alanine.